The following is an entry in ClinVar:

NM_030962.4(SBF2):c.2381C>T (p.Ala794Val)

Genes: SBF2 (SET binding factor 2; minus strand), LOC101928008 (uncharacterized LOC101928008; plus strand). Cytogenetic location: 11p15.4.
Variant type: single nucleotide variant.
Coding change: c.2381C>T on transcript NM_030962.4 (MANE Select); coding-DNA position 2381, C replaced by T.
Protein change: p.Ala794Val; replaces alanine 794 with valine.
Molecular consequence: missense variant.
Genome position (GRCh38, 1-based): chr11:9,853,695, G>A on the plus strand (C>T on the coding strand, the complement: SBF2 is on the minus strand). VCF-style: chr11-9853695-G-A. GRCh37 (hg19) VCF-style: chr11-9875242-G-A.
Other names: c.2381C>T, p.Ala794Val (NM_001386339.1); c.2252C>T, p.Ala751Val (NM_001386342.1); short protein forms A794V, A751V.
Identifiers: ClinVar variation 849877 (VCV000849877.10), dbSNP rs1857121933, ClinGen allele CA379638629.

ClinVar aggregate classification (germline): Uncertain significance (1 of 4 stars; one submission).

Conditions:
Charcot-Marie-Tooth disease type 4. Also called: Charcot-Marie-Tooth disease, type IV; Charcot-Marie-Tooth, Type 4. Identifiers: Orphanet 64749, MedGen C4082197, MONDO:0018995.

Submission:

Labcorp Genetics (formerly Invitae), Labcorp
Classification: Uncertain significance for Charcot-Marie-Tooth disease type 4. Last evaluated: 2022-11-01. Review status: criteria provided, single submitter. Criteria: Invitae Variant Classification Sherloc (09022015). Collection method: clinical testing. Allele origin: germline.
Comment: This sequence change replaces alanine, which is neutral and non-polar, with valine, which is neutral and non-polar, at codon 794 of the SBF2 protein (p.Ala794Val). In summary, the available evidence is currently insufficient to determine the role of this variant in disease. Therefore, it has been classified as a Variant of Uncertain Significance. Advanced modeling of protein sequence and biophysical properties (such as structural, functional, and spatial information, amino acid conservation, physicochemical variation, residue mobility, and thermodynamic stability) performed at Invitae indicates that this missense variant is expected to disrupt SBF2 protein function. ClinVar contains an entry for this variant (Variation ID: 849877). This variant has not been reported in the literature in individuals affected with SBF2-related conditions. This variant is not present in population databases (gnomAD no frequency).